The following is an entry in ClinVar:

ClinVar aggregate classification (germline): Pathogenic. Review status: criteria provided, multiple submitters, no conflicts (2 of 4 stars). 3 submissions from 3 submitters: Pathogenic (2). 1 of the submissions does not count toward it. Last evaluated 2024-10-30.

Conditions:
Early-infantile DEE. Also called: Ohtahara syndrome; Early infantile epileptic encephalopathy; Early infantile epileptic encephalopathy with suppression bursts. Identifiers: Orphanet 1934, MedGen C0393706, MONDO:0800491.
Seizures, benign familial neonatal, 1. Also called: KCNQ2-Related Benign Familial Neonatal Epilepsy; Seizures, benign neonatal, 1; Benign Neonatal Epilepsy 1; KCNQ2-Related Self-Limited Familial Neonatal Epilepsy (SLFNE). Identifiers: Orphanet 1949, MedGen C3149074, MONDO:0007365, OMIM 121200.

Submissions (3):

Labcorp Genetics (formerly Invitae), Labcorp
Classification: Pathogenic for Early-infantile DEE. Last evaluated: 2024-10-30. Review status: criteria provided, single submitter. Criteria: Invitae Variant Classification Sherloc (09022015). Collection method: clinical testing. Allele origin: germline.
Comment: This sequence change creates a premature translational stop signal (p.Ser113Hisfs*6) in the KCNQ2 gene. It is expected to result in an absent or disrupted protein product. Loss-of-function variants in KCNQ2 are known to be pathogenic (PMID: 14534157, 23692823, 27779742). This variant is not present in population databases (gnomAD no frequency). This premature translational stop signal has been observed in individual(s) with benign familial neonatal-infantile seizures (PMID: 27888506). For these reasons, this variant has been classified as Pathogenic.

GeneDx
Classification: Pathogenic. Last evaluated: 2014-04-22. Review status: criteria provided, single submitter. Criteria: GeneDx Variant Classification (06012015). Collection method: clinical testing. Allele origin: germline. Affected: yes.
Comment: c.333_334delGT: p.Ser113HisfsX6 (S113Hfsx6) in exon 2 of the KCNQ2 gene (NM_172107.2).The normal sequence with the bases that are deleted in braces is: CTGT{GT}TTTC.The c.333_334delGT mutation in the KCNQ2 gene causes a frameshift starting with codon Serine 113, changes this amino acid to a Hisitine residue and creates a premature Stop codon at position 6 of the new reading frame, denoted p.Ser113HisfsX6. This mutation is predicted to cause loss of normal protein function either through protein truncation or nonsense-mediated mRNA decay. Although this mutation has not been previously reported to our knowledge, many other frameshift mutations have been published in association with benign familial neonatal seizures or epileptic encephalopathy. The variant is found in INFANT-EPI panel(s).

GeneReviews
No classification provided. Condition: Seizures, benign familial neonatal, 1. Review status: no classification provided. Collection method: literature only. Allele origin: germline. Affected: yes. Not counted in ClinVar's aggregate classification.
Comment: BFNE (benign familial neonatal epilepsy)

Literature cited by the submitters: PubMed 14534157 (cited by Labcorp Genetics (formerly Invitae), Labcorp); PubMed 23692823 (cited by Labcorp Genetics (formerly Invitae), Labcorp); PubMed 27779742 (cited by Labcorp Genetics (formerly Invitae), Labcorp); PubMed 27888506 (cited by Labcorp Genetics (formerly Invitae), Labcorp); PubMed 24375629 (cited by GeneReviews); NCBI Bookshelf NBK32534 (cited by GeneReviews).

NM_172107.4(KCNQ2):c.333_334del (p.Ser113fs)

Gene: KCNQ2 (potassium voltage-gated channel subfamily Q member 2; minus strand). Cytogenetic location: 20q13.33.
Variant type: Microsatellite.
Coding change: c.333_334del on transcript NM_172107.4 (MANE Select); coding-DNA positions 333 to 334, 2 bases deleted (GT; older notation c.333_334delGT).
Protein change: p.Ser113fs; shifts the reading frame from serine 113.
Molecular consequence: frameshift variant.
Genome position (GRCh38, 1-based): chr20:63,446,800-63,446,801, AC deleted on the plus strand (GT on the coding strand, the reverse complement: KCNQ2 is on the minus strand); deleting any 2 consecutive bases within chr20:63,446,800-63,446,804 gives the same sequence; the c. name uses the placement nearest the transcript's 3' end. VCF-style (leftmost placement, unchanged base first): chr20-63446799-AAC-A. GRCh37 (hg19) VCF-style: chr20-62078152-AAC-A.
Other names: c.333_334del, p.Ser113fs (NM_001382235.1, NM_004518.6, NM_172106.3 and 2 more transcripts); short protein forms S113fs.
Identifiers: ClinVar variation 205940 (VCV000205940.5), dbSNP rs796052663, ClinGen allele CA315546.